The following is an entry in ClinVar:

ClinVar aggregate classification (germline): Uncertain significance. Review status: criteria provided, multiple submitters, no conflicts (2 of 4 stars). 3 submissions from 3 submitters: Uncertain significance (3). Last evaluated 2025-12-09.

Conditions:
Short-rib thoracic dysplasia 10 with or without polydactyly (SRTD10). Identifiers: Orphanet 474, MedGen C3810175, MONDO:0014284, OMIM 615630.
Retinitis pigmentosa 71 (RP71). Identifiers: Orphanet 791, MedGen C4225342, MONDO:0014618, OMIM 616394.
IFT172-related disorder. Also called: IFT172-related condition; IFT172-related disorders.

Allele frequency attached by ClinVar (database versions not stated): TOPMed 0.00001; gnomAD exomes below 0.00001; ExAC 0.00002; gnomAD 0.00002.

Submissions (3):

PreventionGenetics, part of Exact Sciences
Classification: Uncertain significance for IFT172-related condition. Last evaluated: 2025-12-09. Review status: criteria provided, single submitter. Criteria: ACMG Guidelines, 2015. Collection method: clinical testing. Allele origin: germline.
Comment: The IFT172 c.4813G>A variant is predicted to result in the amino acid substitution p.Asp1605Asn. To our knowledge, this variant has not been reported in the literature. This variant is reported in 0.0050% of alleles in individuals of East Asian descent in gnomAD. Of note, a different variant impacting the same amino acid (p.Asp1605Glu) has been documented in the homozygous state in a patient with night blindness (Bujakowska et al. 2015. PubMed ID: 25168386). At this time, the clinical significance of the c.4813G>A (p.Asp1605Asn) variant is uncertain due to the absence of conclusive functional and genetic evidence.

Labcorp Genetics (formerly Invitae), Labcorp
Classification: Uncertain significance for Retinitis pigmentosa 71; Short-rib thoracic dysplasia 10 with or without polydactyly. Last evaluated: 2022-09-27. Review status: criteria provided, single submitter. Criteria: Invitae Variant Classification Sherloc (09022015). Collection method: clinical testing. Allele origin: germline.
Comment: ClinVar contains an entry for this variant (Variation ID: 1054095). In summary, the available evidence is currently insufficient to determine the role of this variant in disease. Therefore, it has been classified as a Variant of Uncertain Significance. Algorithms developed to predict the effect of missense changes on protein structure and function are either unavailable or do not agree on the potential impact of this missense change (SIFT: "Deleterious"; PolyPhen-2: "Benign"; Align-GVGD: "Class C0"). This variant has not been reported in the literature in individuals affected with IFT172-related conditions. This variant is present in population databases (rs755717990, gnomAD 0.005%). This sequence change replaces aspartic acid, which is acidic and polar, with asparagine, which is neutral and polar, at codon 1605 of the IFT172 protein (p.Asp1605Asn).

GeneDx
Classification: Uncertain significance. Last evaluated: 2019-07-02. Review status: criteria provided, single submitter. Criteria: GeneDx Variant Classification Process June 2021. Collection method: clinical testing. Allele origin: germline. Affected: yes.
Comment: In silico analysis, which includes protein predictors and evolutionary conservation, supports that this variant does not alter protein structure/function; Has not been previously published as pathogenic or benign to our knowledge

NM_015662.3(IFT172):c.4813G>A (p.Asp1605Asn)

Genes: IFT172 (intraflagellar transport 172; minus strand), KRTCAP3 (keratinocyte associated protein 3; plus strand). Cytogenetic location: 2p23.3.
Variant type: single nucleotide variant.
Coding change: c.4813G>A on transcript NM_015662.3 (MANE Select); coding-DNA position 4813, G replaced by A.
Protein change: p.Asp1605Asn; replaces aspartic acid 1605 with asparagine.
Molecular consequence: missense variant. On other transcripts: intron variant (1).
Genome position (GRCh38, 1-based): chr2:27,445,931, C>T on the plus strand (G>A on the coding strand, the complement: IFT172 is on the minus strand). VCF-style: chr2-27445931-C-T. GRCh37 (hg19) VCF-style: chr2-27668798-C-T.
Other names: c.4747G>A, p.Asp1583Asn (NM_001410739.1); c.*6-370C>T (NM_001168364.2); short protein forms D1605N, D1583N.
Identifiers: ClinVar variation 1054095 (VCV001054095.47), dbSNP rs755717990, ClinGen allele CA1579467.
Genomic context (GRCh38, chr2:27,445,931, plus strand): 5'-AGGCACAGCTCGCGACTGGCAAAAACCTCCACCCTCGGGGCACAGCTTCCCTACTCACAT[C>T]GGTCAGGTCCAAAAAGCGATTGAGGAAGATGAATGCCATGTTATCCCAGCCAACTGCCTG-3'
Protein context (NP_056477.1, residues 1595-1615): IFLNRFLDLT[Asp1605Asn]AIEEGTLDGL